The following is an entry in ClinVar:

NM_001242896.3(DEPDC5):c.4609A>C (p.Asn1537His)

Gene: DEPDC5 (DEP domain containing 5, GATOR1 subcomplex subunit; plus strand). Cytogenetic location: 22q12.3.
Variant type: single nucleotide variant.
Coding change: c.4609A>C on transcript NM_001242896.3 (MANE Select); coding-DNA position 4609, A replaced by C.
Protein change: p.Asn1537His; replaces asparagine 1537 with histidine.
Molecular consequence: missense variant. On other transcripts: non-coding transcript variant (5).
Genome position (GRCh38, 1-based): chr22:31,906,294, A>C. VCF-style: chr22-31906294-A-C. GRCh37 (hg19) VCF-style: chr22-32302280-A-C.
Other names: c.4582A>C, p.Asn1528His (NM_001136029.4); c.4309A>C, p.Asn1437His (NM_001242897.2); c.4543A>C, p.Asn1515His (NM_001363852.2, NM_001364320.2); c.4375A>C, p.Asn1459His (NM_001363854.2, NM_001364319.2); c.4609A>C, p.Asn1537His (NM_001364318.2); c.4525A>C, p.Asn1509His (NM_001369901.1, NM_001369902.1); c.4516A>C, p.Asn1506His (NM_001369903.1, NM_014662.6); short protein forms N1437H, N1459H, N1506H, N1509H, N1515H, N1528H, N1537H.
Identifiers: ClinVar variation 3903036 (VCV003903036.1).

ClinVar aggregate classification (germline): Uncertain significance (1 of 4 stars; one submission).

gnomAD v4.1: 11 of 1,613,836 alleles (0.00068%); highest among the groups gnomAD compares: East Asian, 0.02%; no homozygotes.

Submission:

GeneDx
Classification: Uncertain significance. Last evaluated: 2024-12-12. Review status: criteria provided, single submitter. Criteria: GeneDx Variant Classification Process June 2021. Collection method: clinical testing. Allele origin: germline. Affected: yes.
Comment: Not observed at significant frequency in large population cohorts (gnomAD); In silico analysis indicates that this missense variant does not alter protein structure/function; Has not been previously published as pathogenic or benign to our knowledge